The following is an entry in ClinVar:

NM_001943.5(DSG2):c.1561G>A (p.Asp521Asn)

Gene: DSG2 (desmoglein 2; plus strand). Cytogenetic location: 18q12.1.
Variant type: single nucleotide variant.
Coding change: c.1561G>A on transcript NM_001943.5 (MANE Select); coding-DNA position 1561, G replaced by A.
Protein change: p.Asp521Asn; replaces aspartic acid 521 with asparagine.
Molecular consequence: missense variant.
Genome position (GRCh38, 1-based): chr18:31,536,339, G>A. VCF-style: chr18-31536339-G-A. GRCh37 (hg19) VCF-style: chr18-29116302-G-A.
Other names: short protein forms D521N.
Identifiers: ClinVar variation 1311865 (VCV001311865.10), dbSNP rs2144341791, ClinGen allele CA402141802.

ClinVar aggregate classification (germline): Uncertain significance. Review status: criteria provided, multiple submitters, no conflicts (2 of 4 stars). 3 submissions from 3 submitters: Uncertain significance (3). Last evaluated 2025-02-12.

Conditions:
Arrhythmogenic right ventricular cardiomyopathy (ARVD). Also called: Cardiomyopathy, ARVC; Arrhythmogenic right ventricular dysplasia; Arrhythmogenic Right Ventricular Cardiomyopathy (ARVC); Arrhythmogenic cardiomyopathy. Identifiers: Orphanet 247, MedGen C0349788, MeSH D019571, MONDO:0016587. Disease mechanism: loss of function. Inheritance: Various modes of inheritance.
Arrhythmogenic right ventricular dysplasia 10. Also called: Arrhythmogenic right ventricular dysplasia/cardiomyopathy, type 10; Arrhythmogenic Right Ventricular Dysplasia/Cardiomyopathy10; ARRHYTHMOGENIC RIGHT VENTRICULAR DYSPLASIA, FAMILIAL, 10. Identifiers: MedGen C1857777, MONDO:0012434, OMIM 610193.

Allele frequency attached by ClinVar (database versions not stated): gnomAD exomes below 0.00001.
gnomAD v4.1: 1 of 1,614,188 alleles (0.000062%); highest among the groups gnomAD compares: Non-Finnish European, 0.000085%; no homozygotes.

Submissions (3):

Labcorp Genetics (formerly Invitae), Labcorp
Classification: Uncertain significance for Arrhythmogenic right ventricular dysplasia 10. Last evaluated: 2025-02-12. Review status: criteria provided, single submitter. Criteria: Invitae Variant Classification Sherloc (09022015). Collection method: clinical testing. Allele origin: germline.
Comment: This sequence change replaces aspartic acid, which is acidic and polar, with asparagine, which is neutral and polar, at codon 521 of the DSG2 protein (p.Asp521Asn). This variant is not present in population databases (gnomAD no frequency). This variant has not been reported in the literature in individuals affected with DSG2-related conditions. ClinVar contains an entry for this variant (Variation ID: 1311865). Invitae Evidence Modeling of protein sequence and biophysical properties (such as structural, functional, and spatial information, amino acid conservation, physicochemical variation, residue mobility, and thermodynamic stability) has been performed for this missense variant. However, the output from this modeling did not meet the statistical confidence thresholds required to predict the impact of this variant on DSG2 protein function. In summary, the available evidence is currently insufficient to determine the role of this variant in disease. Therefore, it has been classified as a Variant of Uncertain Significance.

All of Us Research Program, National Institutes of Health
Classification: Uncertain significance for Arrhythmogenic right ventricular cardiomyopathy. Last evaluated: 2023-05-04. Review status: criteria provided, single submitter. Criteria: ACMG Guidelines, 2015. Collection method: clinical testing. Allele origin: germline. Inheritance: Autosomal dominant inheritance. Observed: 1 variant allele, 1 heterozygote.
Comment: This missense variant replaces aspartic acid with asparagine at codon 521 of the DSG2 protein. Computational prediction suggests that this variant may not impact protein structure and function (internally defined REVEL score threshold <= 0.5, PMID: 27666373). To our knowledge, functional studies have not been reported for this variant. This variant has not been reported in individuals affected with DSG2-related disorders in the literature. This variant has not been identified in the general population by the Genome Aggregation Database (gnomAD). The available evidence is insufficient to determine the role of this variant in disease conclusively. Therefore, this variant is classified as a Variant of Uncertain Significance.

This study involves interpretation of variants in research participants for the purpose of population health screening. Participant phenotype was not available at the time of variant classification. Additional details can be found in publication PMID: 35346344, PMCID: PMC8962531

GeneDx
Classification: Uncertain significance. Last evaluated: 2020-01-10. Review status: criteria provided, single submitter. Criteria: GeneDx Variant Classification Process June 2021. Collection method: clinical testing. Allele origin: germline. Affected: yes.
Comment: Has not been previously published as pathogenic or benign to our knowledge; Not observed in large population cohorts (Lek et al., 2016); In silico analysis, which includes protein predictors and evolutionary conservation, supports that this variant does not alter protein structure/function